The following is an entry in ClinVar:

ClinVar aggregate classification (germline): Uncertain significance (1 of 4 stars; one submission).

Allele frequency attached by ClinVar (database versions not stated): gnomAD 0.00001; TOPMed 0.00002.

Submission:

Labcorp Genetics (formerly Invitae), Labcorp
Classification: Uncertain significance. Last evaluated: 2022-06-20. Review status: criteria provided, single submitter. Criteria: Invitae Variant Classification Sherloc (09022015). Collection method: clinical testing. Allele origin: germline.
Comment: This variant has not been reported in the literature in individuals affected with HMX1-related conditions. ClinVar contains an entry for this variant (Variation ID: 1026777). This sequence change replaces aspartic acid, which is acidic and polar, with glutamic acid, which is acidic and polar, at codon 39 of the HMX1 protein (p.Asp39Glu). The frequency data for this variant in the population databases is considered unreliable, as metrics indicate poor data quality at this position in the gnomAD database. Algorithms developed to predict the effect of missense changes on protein structure and function output the following: SIFT: "Tolerated"; PolyPhen-2: "Not Available"; Align-GVGD: "Class C0". The glutamic acid amino acid residue is found in multiple mammalian species, which suggests that this missense change does not adversely affect protein function. In summary, the available evidence is currently insufficient to determine the role of this variant in disease. Therefore, it has been classified as a Variant of Uncertain Significance.

NM_018942.3(HMX1):c.117C>A (p.Asp39Glu)

Gene: HMX1 (H6 family homeobox 1; minus strand). Cytogenetic location: 4p16.1.
Variant type: single nucleotide variant.
Coding change: c.117C>A on transcript NM_018942.3 (MANE Select); coding-DNA position 117, C replaced by A.
Protein change: p.Asp39Glu; replaces aspartic acid 39 with glutamic acid.
Molecular consequence: missense variant.
Genome position (GRCh38, 1-based): chr4:8,871,498, G>T on the plus strand (C>A on the coding strand, the complement: HMX1 is on the minus strand). VCF-style: chr4-8871498-G-T. GRCh37 (hg19) VCF-style: chr4-8873224-G-T.
Other names: c.117C>A, p.Asp39Glu (NM_001306142.2); short protein forms D39E.
Identifiers: ClinVar variation 1026777 (VCV001026777.10), dbSNP rs1175705575, ClinGen allele CA356279345.